The following is an entry in ClinVar:

NM_000245.4(MET):c.1910C>A (p.Ser637Tyr)

Gene: MET (MET proto-oncogene, receptor tyrosine kinase; plus strand). Cytogenetic location: 7q31.2.
Variant type: single nucleotide variant.
Coding change: c.1910C>A on transcript NM_000245.4 (MANE Select); coding-DNA position 1910, C replaced by A.
Protein change: p.Ser637Tyr; replaces serine 637 with tyrosine.
Molecular consequence: missense variant.
Genome position (GRCh38, 1-based): chr7:116,757,484, C>A. VCF-style: chr7-116757484-C-A. GRCh37 (hg19) VCF-style: chr7-116397538-C-A.
Other names: c.1910C>A, p.Ser637Tyr (NM_001127500.3, NM_001324401.3); c.620C>A, p.Ser207Tyr (NM_001324402.2); short protein forms S207Y, S637Y.
Identifiers: ClinVar variation 1321370 (VCV001321370.3), dbSNP rs2116920387, ClinGen allele CA368979365.

ClinVar aggregate classification (germline): Uncertain significance. Review status: criteria provided, multiple submitters, no conflicts (2 of 4 stars). 2 submissions from 2 submitters: Uncertain significance (2). Last evaluated 2024-11-05.

Conditions:
Renal cell carcinoma. Identifiers: Orphanet 217071, MedGen C0007134, MeSH D002292, MONDO:0005086, HP:0005584.

Allele frequency attached by ClinVar (database versions not stated): gnomAD exomes below 0.00001.
gnomAD v4.1: 1 of 1,613,714 alleles (0.000062%); highest among the groups gnomAD compares: East Asian, 0.0022%; no homozygotes.

Submissions (2):

Labcorp Genetics (formerly Invitae), Labcorp
Classification: Uncertain significance for Renal cell carcinoma. Last evaluated: 2024-11-05. Review status: criteria provided, single submitter. Criteria: Invitae Variant Classification Sherloc (09022015). Collection method: clinical testing. Allele origin: germline.
Comment: This sequence change replaces serine, which is neutral and polar, with tyrosine, which is neutral and polar, at codon 637 of the MET protein (p.Ser637Tyr). This variant is not present in population databases (gnomAD no frequency). This variant has not been reported in the literature in individuals affected with MET-related conditions. ClinVar contains an entry for this variant (Variation ID: 1321370). Invitae Evidence Modeling of protein sequence and biophysical properties (such as structural, functional, and spatial information, amino acid conservation, physicochemical variation, residue mobility, and thermodynamic stability) indicates that this missense variant is not expected to disrupt MET protein function with a negative predictive value of 80%. In summary, the available evidence is currently insufficient to determine the role of this variant in disease. Therefore, it has been classified as a Variant of Uncertain Significance.

Women's Health and Genetics/Laboratory Corporation of America, LabCorp
Classification: Uncertain significance. Last evaluated: 2021-10-02. Review status: criteria provided, single submitter. Criteria: LabCorp Variant Classification Summary - May 2015. Collection method: clinical testing. Allele origin: germline.